The following is an entry in ClinVar:

NM_000436.4(OXCT1):c.1491C>T (p.Asp497=)

Gene: OXCT1 (3-oxoacid CoA-transferase 1; minus strand). Cytogenetic location: 5p13.1.
Variant type: single nucleotide variant.
Coding change: c.1491C>T on transcript NM_000436.4 (MANE Select); coding-DNA position 1491, C replaced by T.
Protein change: p.Asp497=; no amino-acid change (aspartic acid 497 retained).
Molecular consequence: synonymous variant. On other transcripts: non-coding transcript variant (1).
Genome position (GRCh38, 1-based): chr5:41,739,420, G>A on the plus strand (C>T on the coding strand, the complement: OXCT1 is on the minus strand). VCF-style: chr5-41739420-G-A. GRCh37 (hg19) VCF-style: chr5-41739522-G-A.
Other names: c.1512C>T, p.Asp504= (NM_001364299.2, NM_001364300.2); c.1485C>T, p.Asp495= (NM_001364301.2); c.1401C>T, p.Asp467= (NM_001364302.2); c.933C>T, p.Asp311= (NM_001364303.2).
Identifiers: ClinVar variation 93003 (VCV000093003.62), dbSNP rs144283422, ClinGen allele CA220826.

ClinVar aggregate classification (germline): Conflicting classifications of pathogenicity. Review status: criteria provided, conflicting classifications (1 of 4 stars). 5 submissions from 5 submitters: Uncertain significance (2); Likely benign (3). Last evaluated 2026-08-01.

Conditions:
Succinyl-CoA acetoacetate transferase deficiency (SCOTD). Also called: KETOACIDOSIS DUE TO SCOT DEFICIENCY; SCOT DEFICIENCY; SUCCINYL-CoA:3-KETOACID CoA-TRANSFERASE DEFICIENCY; Succinyl CoA:3-oxoacid CoA transferase deficiency; 3-Oxoacid CoA Transferase Deficiency. Identifiers: Orphanet 832, MedGen C0342792, MONDO:0009492, OMIM 245050.

Allele frequency attached by ClinVar (database versions not stated): 1000 Genomes Project 0.00060; 1000 Genomes Project 30x 0.00078; TOPMed 0.00127; gnomAD 0.00140 and 0.00143; ESP Exome Variant Server 0.00146; gnomAD exomes 0.00191.
gnomAD v4.1: 2,958 of 1,612,752 alleles (0.18%); highest among the groups gnomAD compares: Non-Finnish European, 0.22%; 2 homozygotes.

Submissions (5):

CeGaT Center for Human Genetics Tuebingen
Classification: Likely benign. Last evaluated: 2026-08-01. Review status: criteria provided, single submitter. Criteria: CeGaT Center For Human Genetics Tuebingen Variant Classification Criteria Version 2. Collection method: clinical testing. Allele origin: germline. Affected: yes. Observed: 3 variant alleles.
Comment: OXCT1: BP4, BP7

Labcorp Genetics (formerly Invitae), Labcorp
Classification: Likely benign for Succinyl-CoA acetoacetate transferase deficiency. Last evaluated: 2026-01-11. Review status: criteria provided, single submitter. Criteria: Invitae Variant Classification Sherloc (09022015). Collection method: clinical testing. Allele origin: germline.

ARUP Laboratories, Molecular Genetics and Genomics, ARUP Laboratories
Classification: Likely benign for Succinyl-CoA acetoacetate transferase deficiency. Last evaluated: 2025-06-01. Review status: criteria provided, single submitter. Criteria: ARUP Molecular Germline Variant Investigation Process 2024. Collection method: clinical testing. Allele origin: germline.

Illumina Laboratory Services, Illumina
Classification: Uncertain significance for Succinyl-CoA acetoacetate transferase deficiency. Last evaluated: 2018-01-13. Review status: criteria provided, single submitter. Criteria: ICSL Variant Classification Criteria 13 December 2019. Collection method: clinical testing. Allele origin: germline.

Eurofins Ntd Llc (ga)
Classification: Uncertain significance. Last evaluated: 2013-06-10. Review status: criteria provided, single submitter. Criteria: EGL Classification Definitions 2015. Collection method: clinical testing. Allele origin: germline. Observed: 1 variant allele, 1 heterozygote.